The following is an entry in ClinVar:

ClinVar aggregate classification (germline): Benign. Review status: criteria provided, multiple submitters, no conflicts (2 of 4 stars). 4 submissions from 4 submitters: Benign (4). Last evaluated 2026-01-14.

Conditions:
Parietal foramina 2 (PFM2). Identifiers: Orphanet 60015, MedGen C1865044, MONDO:0012309, OMIM 609597.

Allele frequency attached by ClinVar (database versions not stated): gnomAD exomes 0.00950 and 0.01347; ExAC 0.01385; 1000 Genomes Project 0.02137; TOPMed 0.02158; gnomAD 0.02298 and 0.02470; ESP Exome Variant Server 0.02322; 1000 Genomes Project 30x 0.02389.
gnomAD v4.1: 17,459 of 1,614,174 alleles (1.1%); highest among the groups gnomAD compares: African/African-American, 5%; 235 homozygotes.

Submissions (4):

Labcorp Genetics (formerly Invitae), Labcorp
Classification: Benign. Last evaluated: 2026-01-14. Review status: criteria provided, single submitter. Criteria: Invitae Variant Classification Sherloc (09022015). Collection method: clinical testing. Allele origin: germline.

GeneDx
Classification: Benign. Last evaluated: 2019-01-21. Review status: criteria provided, single submitter. Criteria: GeneDx Variant Classification Process June 2021. Collection method: clinical testing. Allele origin: germline. Affected: yes.

Illumina Laboratory Services, Illumina
Classification: Benign for Parietal foramina 2. Last evaluated: 2018-01-12. Review status: criteria provided, single submitter. Criteria: ICSL Variant Classification Criteria 13 December 2019. Collection method: clinical testing. Allele origin: germline.
Comment: This variant was observed in the ICSL laboratory as part of a predisposition screen in an ostensibly healthy population. It had not been previously curated by ICSL or reported in the Human Gene Mutation Database (HGMD: prior to June 1st, 2018), and was therefore a candidate for classification through an automated scoring system. Utilizing variant allele frequency, disease prevalence and penetrance estimates, and inheritance mode, an automated score was calculated to assess if this variant is too frequent to cause the disease. Based on the score and internal cut-off values, a variant classified as benign is not then subjected to further curation. The score for this variant resulted in a classification of benign for this disease.

Breakthrough Genomics
Classification: Benign. Review status: criteria provided, single submitter. Criteria: ACMG Guidelines, 2015. Collection method: not provided. Allele origin: germline. Inheritance: Autosomal recessive inheritance. Affected: yes.

NM_021926.4(ALX4):c.594C>A (p.Leu198=)

Gene: ALX4 (ALX homeobox 4; minus strand). Cytogenetic location: 11p11.2.
Variant type: single nucleotide variant.
Coding change: c.594C>A on transcript NM_021926.4 (MANE Select); coding-DNA position 594, C replaced by A.
Protein change: p.Leu198=; no amino-acid change (leucine 198 retained).
Molecular consequence: synonymous variant.
Genome position (GRCh38, 1-based): chr11:44,275,531, G>T on the plus strand (C>A on the coding strand, the complement: ALX4 is on the minus strand). VCF-style: chr11-44275531-G-T. GRCh37 (hg19) VCF-style: chr11-44297081-G-T.
Other names: c.594C>A, p.Leu198= (LRG_1256t1).
Identifiers: ClinVar variation 304707 (VCV000304707.12), dbSNP rs61737295, ClinGen allele CA5955700.